The following is an entry in ClinVar:

ClinVar aggregate classification (germline): Likely benign. Review status: criteria provided, multiple submitters, no conflicts (2 of 4 stars). 3 submissions from 3 submitters: Likely benign (2). 1 of the submissions does not count toward it. Last evaluated 2024-03-01.

Conditions:
Bardet-Biedl syndrome (BBS). Identifiers: Orphanet 110, MedGen C0752166, MONDO:0015229.
Bardet-Biedl syndrome 9 (BBS9). Identifiers: Orphanet 110, MedGen C1859567, MONDO:0014437, OMIM 615986.
BBS9-related disorder. Also called: BBS9-related condition.

Allele frequency attached by ClinVar (database versions not stated): gnomAD exomes 0.00001; ESP Exome Variant Server 0.00008; ExAC 0.00001.
gnomAD v4.1: 11 of 1,614,138 alleles (0.00068%); highest among the groups gnomAD compares: Admixed American, 0.0033%; no homozygotes.

Submissions (3):

Labcorp Genetics (formerly Invitae), Labcorp
Classification: Likely benign for Bardet-Biedl syndrome. Last evaluated: 2024-03-01. Review status: criteria provided, single submitter. Criteria: Invitae Variant Classification Sherloc (09022015). Collection method: clinical testing. Allele origin: germline.

Fulgent Genetics
Classification: Likely benign for Bardet-Biedl syndrome 9. Last evaluated: 2021-12-22. Review status: criteria provided, single submitter. Criteria: ACMG Guidelines, 2015. Collection method: clinical testing. Allele origin: unknown.

PreventionGenetics, part of Exact Sciences
Classification: Likely benign for BBS9-related condition. Last evaluated: 2023-04-27. Review status: no assertion criteria provided. Collection method: clinical testing. Allele origin: germline. Not counted in ClinVar's aggregate classification.
Comment: This variant is classified as likely benign based on ACMG/AMP sequence variant interpretation guidelines (Richards et al. 2015 PMID: 25741868, with internal and published modifications).

NM_198428.3(BBS9):c.2448C>T (p.Cys816=)

Gene: BBS9 (Bardet-Biedl syndrome 9; plus strand). Cytogenetic location: 7p14.3.
Variant type: single nucleotide variant.
Coding change: c.2448C>T on transcript NM_198428.3 (MANE Select); coding-DNA position 2448, C replaced by T.
Protein change: p.Cys816=; no amino-acid change (cysteine 816 retained).
Molecular consequence: synonymous variant. On other transcripts: non-coding transcript variant (3).
Genome position (GRCh38, 1-based): chr7:33,534,103, C>T. VCF-style: chr7-33534103-C-T. GRCh37 (hg19) VCF-style: chr7-33573715-C-T.
Other names: c.2343C>T, p.Cys781= (NM_001033604.2); c.2433C>T, p.Cys811= (NM_001033605.2); c.2448C>T, p.Cys816= (NM_001348036.1, NM_001348041.4, NM_001348043.3 and 1 more transcripts); c.1899C>T, p.Cys633= (NM_001348037.3); c.2175C>T, p.Cys725= (NM_001348038.3); c.2070C>T, p.Cys690= (NM_001348039.3); c.2328C>T, p.Cys776= (NM_001348040.3, NM_014451.4); c.2313C>T, p.Cys771= (NM_001348042.3); and 2 more.
Identifiers: ClinVar variation 702966 (VCV000702966.11), dbSNP rs375606348, ClinGen allele CA4214684.